The following is an entry in ClinVar:

NM_002907.4(RECQL):c.919C>T (p.Leu307Phe)

Gene: RECQL (RecQ like helicase; minus strand). Cytogenetic location: 12p12.1.
Variant type: single nucleotide variant.
Coding change: c.919C>T on transcript NM_002907.4 (MANE Select); coding-DNA position 919, C replaced by T.
Protein change: p.Leu307Phe; replaces leucine 307 with phenylalanine.
Molecular consequence: missense variant.
Genome position (GRCh38, 1-based): chr12:21,476,941, G>A on the plus strand (C>T on the coding strand, the complement: RECQL is on the minus strand). VCF-style: chr12-21476941-G-A. GRCh37 (hg19) VCF-style: chr12-21629875-G-A.
Other names: c.919C>T, p.Leu307Phe (NM_032941.3); short protein forms L307F.
Identifiers: ClinVar variation 2593097 (VCV002593097.2), dbSNP rs746041500, ClinGen allele CA384122951.
Genomic context (GRCh38, chr12:21,476,941, plus strand): 5'-GTCTCCAAAGTTGGTTTGTTTTTACATTACCTGATTGCCCTTTGTATCTCCCATTAATGA[G>A]CTTTACAATATCCTCAATAAAATCTTCAGTGTTTGAGGGCTTCTGCCGAACCTAAAAAAA-3'
Protein context (NP_002898.2, residues 297-317): TEDFIEDIVK[Leu307Phe]INGRYKGQSG

ClinVar aggregate classification (germline): Uncertain significance (1 of 4 stars; one submission).

Submission:

Ambry Genetics
Classification: Uncertain significance. Last evaluated: 2023-07-26. Review status: criteria provided, single submitter. Criteria: Ambry Variant Classification Scheme 2023. Collection method: clinical testing. Allele origin: germline.
Comment: The p.L307F variant (also known as c.919C>T), located in coding exon 7 of the RECQL gene, results from a C to T substitution at nucleotide position 919. The leucine at codon 307 is replaced by phenylalanine, an amino acid with highly similar properties. This amino acid position is conserved. In addition, the in silico prediction for this alteration is inconclusive. Since supporting evidence is limited at this time, the clinical significance of this alteration remains unclear.